The following is an entry in ClinVar:

ClinVar aggregate classification (germline): Benign/Likely benign. Review status: criteria provided, multiple submitters, no conflicts (2 of 4 stars). 6 submissions from 6 submitters: Benign (3); Likely benign (2). 1 of the submissions does not count toward it. Last evaluated 2026-03-24.

Conditions:
INF2-related disorder. Also called: INF2-related condition.
Inborn genetic diseases. Identifiers: MedGen C0950123, MeSH D030342.
Focal segmental glomerulosclerosis 5 (FSGS5). Identifiers: Orphanet 656, MedGen C2750475, MONDO:0013191, OMIM 613237.
Charcot-Marie-Tooth disease dominant intermediate E. Also called: CHARCOT-MARIE-TOOTH NEUROPATHY WITH FOCAL SEGMENTAL GLOMERULONEPHRITIS. Identifiers: Orphanet 93114, MedGen C4302667, MONDO:0013758, OMIM 614455.

Allele frequency attached by ClinVar (database versions not stated): gnomAD exomes 0.00009 and 0.00051; gnomAD 0.00014; TOPMed 0.00030; ExAC 0.00054.
gnomAD v4.1: 151 of 1,612,254 alleles (0.0094%); highest among the groups gnomAD compares: Admixed American, 0.25%; no homozygotes.

Submissions (6):

PreventionGenetics, part of Exact Sciences
Classification: Likely benign for INF2-related condition. Last evaluated: 2026-03-24. Review status: criteria provided, single submitter. Criteria: ACMG Guidelines, 2015. Collection method: clinical testing. Allele origin: germline.
Comment: This variant is classified as likely benign based on ACMG/AMP sequence variant interpretation guidelines (Richards et al. 2015 PMID: 25741868, with internal and published modifications).

Labcorp Genetics (formerly Invitae), Labcorp
Classification: Benign for Charcot-Marie-Tooth disease dominant intermediate E; Focal segmental glomerulosclerosis 5. Last evaluated: 2026-01-11. Review status: criteria provided, single submitter. Criteria: Invitae Variant Classification Sherloc (09022015). Collection method: clinical testing. Allele origin: germline.

Mayo Clinic Laboratories, Mayo Clinic
Classification: Benign. Last evaluated: 2024-12-06. Review status: criteria provided, single submitter. Criteria: ACMG Guidelines, 2015. Collection method: clinical testing. Allele origin: germline. Observed: 1 variant allele.
Comment: BS1, BS2, BP4_moderate

GeneDx
Classification: Benign. Last evaluated: 2021-03-03. Review status: criteria provided, single submitter. Criteria: GeneDx Variant Classification Process June 2021. Collection method: clinical testing. Allele origin: germline. Affected: yes.

Ambry Genetics
Classification: Likely benign for Inborn genetic diseases. Last evaluated: 2021-01-15. Review status: criteria provided, single submitter. Criteria: Ambry Variant Classification Scheme 2023. Collection method: clinical testing. Allele origin: germline.

Genetic Services Laboratory, University of Chicago
Classification: Benign. Last evaluated: 2022-08-26. Review status: no assertion criteria provided. Collection method: clinical testing. Allele origin: germline. Affected: no. Not counted in ClinVar's aggregate classification.

NM_022489.4(INF2):c.2479C>A (p.Gln827Lys)

Gene: INF2 (inverted formin 2; plus strand). Cytogenetic location: 14q32.33.
Variant type: single nucleotide variant.
Coding change: c.2479C>A on transcript NM_022489.4 (MANE Select); coding-DNA position 2479, C replaced by A.
Protein change: p.Gln827Lys; replaces glutamine 827 with lysine.
Molecular consequence: missense variant.
Genome position (GRCh38, 1-based): chr14:104,711,689, C>A. VCF-style: chr14-104711689-C-A. GRCh37 (hg19) VCF-style: chr14-105178026-C-A.
Other names: p.Gln827Lys; c.2479C>A, p.Gln827Lys (NM_001031714.4); short protein forms Q827K.
Identifiers: ClinVar variation 540072 (VCV000540072.19), dbSNP rs4983379, ClinGen allele CA7372944.